The following is an entry in ClinVar:

ClinVar aggregate classification (germline): Benign. Review status: criteria provided, multiple submitters, no conflicts (2 of 4 stars). 13 submissions from 11 submitters: Benign (12). 1 of the submissions does not count toward it. Last evaluated 2026-02-04.

Conditions:
Usher syndrome type 1D (USH1D). Also called: USHER SYNDROME, TYPE ID. Identifiers: Orphanet 231169, Orphanet 886, MedGen C1832845, MONDO:0010984, OMIM 601067.
Pituitary adenoma 5, multiple types. Identifiers: MedGen C4539685, MONDO:0054601, OMIM 617540.
Autosomal recessive nonsyndromic hearing loss 12. Also called: DEAFNESS, AUTOSOMAL RECESSIVE 12. Identifiers: Orphanet 90636, MedGen C1832394, MONDO:0011067, OMIM 601386.
Usher syndrome type 1 (USH1). Also called: RETINITIS PIGMENTOSA AND CONGENITAL DEAFNESS. Identifiers: Orphanet 231169, Orphanet 886, MedGen C1568247, MONDO:0010168, OMIM 276900.
Retinitis pigmentosa-deafness syndrome. Also called: RETINITIS PIGMENTOSA 21; RETINITIS PIGMENTOSA 8; Retinitis pigmentosa 8, formerly; RP8, formerly; Retinitis pigmentosa 21, formerly; RP21, formerly. Identifiers: MedGen C5779620, MONDO:0010775, OMIM 500004.

Allele frequency attached by ClinVar (database versions not stated): ESP Exome Variant Server 0.12119; TOPMed 0.12460; 1000 Genomes Project 30x 0.17942; 1000 Genomes Project 0.18530; ExAC 0.19980; gnomAD exomes 0.20047.
gnomAD v4.1: 282,483 of 1,613,382 alleles (18%); highest among the groups gnomAD compares: East Asian, 30%; 27,778 homozygotes.

Submissions (13):

Labcorp Genetics (formerly Invitae), Labcorp
Classification: Benign. Last evaluated: 2026-02-04. Review status: criteria provided, single submitter. Criteria: Invitae Variant Classification Sherloc (09022015). Collection method: clinical testing. Allele origin: germline.

Fulgent Genetics
Classification: Benign for Usher syndrome type 1D; Autosomal recessive nonsyndromic hearing loss 12; Pituitary adenoma 5, multiple types. Last evaluated: 2021-09-01. Review status: criteria provided, single submitter. Criteria: ACMG Guidelines, 2015. Collection method: clinical testing. Allele origin: unknown.

Genome-Nilou Lab
Classification: Benign for Usher syndrome type 1D. Last evaluated: 2021-07-01. Review status: criteria provided, single submitter. Criteria: ACMG Guidelines, 2015. Collection method: clinical testing. Allele origin: germline. Affected: no.

Genome-Nilou Lab
Classification: Benign for Autosomal recessive nonsyndromic hearing loss 12. Last evaluated: 2021-07-01. Review status: criteria provided, single submitter. Criteria: ACMG Guidelines, 2015. Collection method: clinical testing. Allele origin: germline. Affected: no.

Mayo Clinic Laboratories, Mayo Clinic
Classification: Benign. Last evaluated: 2020-10-20. Review status: criteria provided, single submitter. Criteria: ACMG Guidelines, 2015. Collection method: clinical testing. Allele origin: germline. Observed: 57 variant alleles.

Mendelics
Classification: Benign for Retinitis pigmentosa-deafness syndrome. Last evaluated: 2019-05-28. Review status: criteria provided, single submitter. Criteria: Mendelics Assertion Criteria 2017. Collection method: clinical testing. Allele origin: unknown.

Illumina Laboratory Services, Illumina
Classification: Benign for Usher syndrome type 1D. Last evaluated: 2018-01-13. Review status: criteria provided, single submitter. Criteria: ICSL Variant Classification Criteria 13 December 2019. Collection method: clinical testing. Allele origin: germline.
Comment: This variant was observed in the ICSL laboratory as part of a predisposition screen in an ostensibly healthy population. It had not been previously curated by ICSL or reported in the Human Gene Mutation Database (HGMD: prior to June 1st, 2018), and was therefore a candidate for classification through an automated scoring system. Utilizing variant allele frequency, disease prevalence and penetrance estimates, and inheritance mode, an automated score was calculated to assess if this variant is too frequent to cause the disease. Based on the score and internal cut-off values, a variant classified as benign is not then subjected to further curation. The score for this variant resulted in a classification of benign for this disease.

Illumina Laboratory Services, Illumina
Classification: Benign for Autosomal recessive nonsyndromic hearing loss 12. Last evaluated: 2018-01-13. Review status: criteria provided, single submitter. Criteria: ICSL Variant Classification Criteria 13 December 2019. Collection method: clinical testing. Allele origin: germline.
Comment: the same text as in the submission from Illumina Laboratory Services, Illumina above.

GeneDx
Classification: Benign. Last evaluated: 2015-03-03. Review status: criteria provided, single submitter. Criteria: GeneDx Variant Classification Process June 2021. Collection method: clinical testing. Allele origin: germline. Affected: yes.

Laboratory for Molecular Medicine, Mass General Brigham Personalized Medicine
Classification: Benign. Last evaluated: 2009-06-09. Review status: criteria provided, single submitter. Criteria: LMM Criteria. Collection method: clinical testing. Allele origin: germline. Observed: 666 variant alleles.

Breakthrough Genomics
Classification: Benign. Review status: criteria provided, single submitter. Criteria: ACMG Guidelines, 2015. Collection method: not provided. Allele origin: germline. Inheritance: Autosomal recessive inheritance. Affected: yes.

PreventionGenetics, part of Exact Sciences
Classification: Benign. Review status: criteria provided, single submitter. Criteria: ACMG Guidelines, 2015. Collection method: clinical testing. Allele origin: germline.

Natera, Inc.
Classification: Benign for Usher syndrome type 1. Last evaluated: 2021-02-26. Review status: no assertion criteria provided. Collection method: clinical testing. Allele origin: germline. Not counted in ClinVar's aggregate classification.

NM_022124.6(CDH23):c.1469G>C (p.Gly490Ala)

Gene: CDH23 (cadherin related 23; plus strand). Cytogenetic location: 10q22.1.
Variant type: single nucleotide variant.
Coding change: c.1469G>C on transcript NM_022124.6 (MANE Select); coding-DNA position 1469, G replaced by C.
Protein change: p.Gly490Ala; replaces glycine 490 with alanine.
Molecular consequence: missense variant.
Genome position (GRCh38, 1-based): chr10:71,675,131, G>C. VCF-style: chr10-71675131-G-C. GRCh37 (hg19) VCF-style: chr10-73434888-G-C.
Other names: c.1469G>C, p.Gly490Ala (NM_001171930.2, NM_001171931.2); short protein forms G490A.
Identifiers: ClinVar variation 45872 (VCV000045872.27), dbSNP rs1227049, ClinGen allele CA137281.
Genomic context (GRCh38, chr10:71,675,131, plus strand): 5'-CTGGGCCTGGCAGTAATGACTTCTTGTTCTCGCTGTTGCAGGCAACTGACAATGATGCAG[G>C]CACCTTTGGGGAAGTCAGCTACTTCTTCAGTGATGACCCTGACAGGTGAGACTCTGCCCA-3'
Protein context (NP_071407.4, residues 480-500): LTVLATDNDA[Gly490Ala]TFGEVSYFFS